The following is an entry in ClinVar:

ClinVar aggregate classification (germline): Uncertain significance (1 of 4 stars; one submission).

Conditions:
Familial thoracic aortic aneurysm and aortic dissection (TAAD). Also called: Thoracic aortic aneurysms and dissections. Identifiers: Orphanet 91387, MedGen C4707243, MONDO:0019625.

Allele frequency attached by ClinVar (database versions not stated): TOPMed 0.00001.
gnomAD v4.1: 12 of 1,614,182 alleles (0.00074%); highest among the groups gnomAD compares: Non-Finnish European, 0.001%; no homozygotes.

Submission:

Ambry Genetics
Classification: Uncertain significance for Familial thoracic aortic aneurysm and aortic dissection. Last evaluated: 2025-11-20. Review status: criteria provided, single submitter. Criteria: Ambry Variant Classification Scheme 2023. Collection method: clinical testing. Allele origin: germline.
Comment: The p.G260S variant (also known as c.778G>A), located in coding exon 5 of the TGFB3 gene, results from a G to A substitution at nucleotide position 778. The glycine at codon 260 is replaced by serine, an amino acid with similar properties. This amino acid position is well conserved in available vertebrate species. In addition, this alteration is predicted to be tolerated by in silico analysis. Based on the available evidence, the clinical significance of this variant remains unclear.

NM_003239.5(TGFB3):c.778G>A (p.Gly260Ser)

Gene: TGFB3 (transforming growth factor beta 3; minus strand). Cytogenetic location: 14q24.3.
Variant type: single nucleotide variant.
Coding change: c.778G>A on transcript NM_003239.5 (MANE Select); coding-DNA position 778, G replaced by A.
Protein change: p.Gly260Ser; replaces glycine 260 with serine.
Molecular consequence: missense variant.
Genome position (GRCh38, 1-based): chr14:75,963,464, C>T on the plus strand (G>A on the coding strand, the complement: TGFB3 is on the minus strand). VCF-style: chr14-75963464-C-T. GRCh37 (hg19) VCF-style: chr14-76429807-C-T.
Other names: c.778G>A, p.Gly260Ser (NM_001329938.2, NM_001329939.2); short protein forms G260S.
Identifiers: ClinVar variation 2566622 (VCV002566622.3), dbSNP rs1221859306, ClinGen allele CA390468659.
Genomic context (GRCh38, chr14:75,963,464, plus strand): 5'-GGATTAGATGAGGGTTGTGGTGATCCTTCTGCTTCTTGAGGCGCCCCAGATCTCCACGGC[C>T]ATGGTCATCCTCATTGTCCACGCCTGAAGAAGGGAAGGAAAGTGACAATCTCCTGTCTGA-3'
Protein context (NP_003230.1, residues 250-270): FKGVDNEDDH[Gly260Ser]RGDLGRLKKQ